The following is an entry in ClinVar:

NM_000257.4(MYH7):c.5560-2del

Gene: MYH7 (myosin heavy chain 7; minus strand). Cytogenetic location: 14q11.2.
Variant type: Deletion.
Coding change: c.5560-2del on transcript NM_000257.4 (MANE Select); the canonical splice acceptor site of the intron before coding-DNA position 5560, one base deleted (A; older notation c.5560-2delA).
Molecular consequence: splice acceptor variant.
Genome position (GRCh38, 1-based): chr14:23,414,104, T deleted on the plus strand (A on the coding strand, the reverse complement: MYH7 is on the minus strand). VCF-style (leftmost placement, unchanged base first): chr14-23414103-CT-C. GRCh37 (hg19) VCF-style: chr14-23883312-CT-C.
Other names: c.5560-2del (NM_001407004.1).
Identifiers: ClinVar variation 4715242 (VCV004715242.1).

ClinVar aggregate classification (germline): Uncertain significance (1 of 4 stars; one submission).

Conditions:
Hypertrophic cardiomyopathy. Also called: HYPERTROPHIC MYOCARDIOPATHY. Identifiers: Orphanet 217569, MedGen C0007194, MeSH D002312, MONDO:0005045, HP:0001639.

Submission:

Labcorp Genetics (formerly Invitae), Labcorp
Classification: Uncertain significance for Hypertrophic cardiomyopathy. Last evaluated: 2025-09-06. Review status: criteria provided, single submitter. Criteria: Invitae Variant Classification Sherloc (09022015). Collection method: clinical testing. Allele origin: germline.
Comment: This sequence change affects a splice site in intron 37 of the MYH7 gene. It is expected to disrupt RNA splicing. Variants that disrupt the donor or acceptor splice site typically lead to a loss of protein function (PMID: 16199547), however the current clinical and genetic evidence is not sufficient to establish whether loss-of-function variants in MYH7 cause disease. This variant is not present in population databases (gnomAD no frequency). This variant has not been reported in the literature in individuals affected with MYH7-related conditions. Algorithms developed to predict the effect of sequence changes on RNA splicing suggest that this variant may disrupt the consensus splice site. In summary, the available evidence is currently insufficient to determine the role of this variant in disease. Therefore, it has been classified as a Variant of Uncertain Significance.

Literature cited by the submitters: PubMed 16199547.